The following is an entry in ClinVar:

NM_024411.5(PDYN):c.486T>G (p.Tyr162Ter)

Genes: PDYN (prodynorphin; minus strand), PDYN-AS1 (PDYN antisense RNA 1; plus strand). Cytogenetic location: 20p13.
Variant type: single nucleotide variant.
Coding change: c.486T>G on transcript NM_024411.5 (MANE Select); coding-DNA position 486, T replaced by G.
Protein change: p.Tyr162Ter; replaces tyrosine 162 with a stop codon.
Molecular consequence: nonsense.
Genome position (GRCh38, 1-based): chr20:1,980,602, A>C on the plus strand (T>G on the coding strand, the complement: PDYN is on the minus strand). VCF-style: chr20-1980602-A-C. GRCh37 (hg19) VCF-style: chr20-1961248-A-C.
Other names: c.486T>G, p.Tyr162Ter (NM_001190892.1, NM_001190898.3, NM_001190899.2 and 1 more transcripts); short protein forms Y162*.
Identifiers: ClinVar variation 4805263 (VCV004805263.1).

ClinVar aggregate classification (germline): Uncertain significance (1 of 4 stars; one submission).

gnomAD v4.1: 42 of 1,614,130 alleles (0.0026%); highest among the groups gnomAD compares: Non-Finnish European, 0.0033%; no homozygotes.

Submission:

Labcorp Genetics (formerly Invitae), Labcorp
Classification: Uncertain significance. Last evaluated: 2025-08-04. Review status: criteria provided, single submitter. Criteria: Invitae Variant Classification Sherloc (09022015). Collection method: clinical testing. Allele origin: germline.
Comment: This sequence change creates a premature translational stop signal (p.Tyr162*) in the PDYN gene. While this is not anticipated to result in nonsense mediated decay, it is expected to disrupt the last 93 amino acid(s) of the PDYN protein. This variant is present in population databases (rs748532675, gnomAD 0.004%). This variant has not been reported in the literature in individuals affected with PDYN-related conditions. Experimental studies and prediction algorithms are not available or were not evaluated, and the functional significance of this variant is currently unknown. In summary, the available evidence is currently insufficient to determine the role of this variant in disease. Therefore, it has been classified as a Variant of Uncertain Significance.